The following is an entry in ClinVar:

ClinVar aggregate classification (germline): Uncertain significance (1 of 4 stars; one submission).

Conditions:
Perlman syndrome (PRLMNS). Identifiers: Orphanet 2849, MedGen C0796113, MONDO:0009965, OMIM 267000.

Allele frequency attached by ClinVar (database versions not stated): TOPMed 0.00001.

Submission:

Labcorp Genetics (formerly Invitae), Labcorp
Classification: Uncertain significance for Perlman syndrome. Last evaluated: 2020-11-16. Review status: criteria provided, single submitter. Criteria: Invitae Variant Classification Sherloc (09022015). Collection method: clinical testing. Allele origin: germline.
Comment: In summary, the available evidence is currently insufficient to determine the role of this variant in disease. Therefore, it has been classified as a Variant of Uncertain Significance. Algorithms developed to predict the effect of missense changes on protein structure and function are either unavailable or do not agree on the potential impact of this missense change (SIFT: "Tolerated"; PolyPhen-2: "Possibly Damaging"; Align-GVGD: "Class C0"). This variant has not been reported in the literature in individuals with DIS3L2-related conditions. This variant is not present in population databases (ExAC no frequency). This sequence change replaces lysine with asparagine at codon 652 of the DIS3L2 protein (p.Lys652Asn). The lysine residue is moderately conserved and there is a moderate physicochemical difference between lysine and asparagine.

NM_152383.5(DIS3L2):c.1956G>C (p.Lys652Asn)

Gene: DIS3L2 (DIS3 like 3'-5' exoribonuclease 2; plus strand). Cytogenetic location: 2q37.1.
Variant type: single nucleotide variant.
Coding change: c.1956G>C on transcript NM_152383.5 (MANE Select); coding-DNA position 1956, G replaced by C.
Protein change: p.Lys652Asn; replaces lysine 652 with asparagine.
Molecular consequence: missense variant. On other transcripts: non-coding transcript variant (2), intron variant (1).
Genome position (GRCh38, 1-based): chr2:232,330,722, G>C. VCF-style: chr2-232330722-G-C. GRCh37 (hg19) VCF-style: chr2-233195432-G-C.
Other names: c.1582-12623G>C (NM_001257281.2); short protein forms K652N.
Identifiers: ClinVar variation 966799 (VCV000966799.9), dbSNP rs1695710738, ClinGen allele CA350976586.